The following is an entry in ClinVar:

ClinVar aggregate classification (germline): Uncertain significance. Review status: criteria provided, multiple submitters, no conflicts (2 of 4 stars). 3 submissions from 3 submitters: Uncertain significance (3). Last evaluated 2026-04-01.

Conditions:
Inborn genetic diseases. Identifiers: MedGen C0950123, MeSH D030342.

gnomAD v4.1: 23 of 1,614,016 alleles (0.0014%); highest among the groups gnomAD compares: South Asian, 0.013%; no homozygotes.

Submissions (3):

CeGaT Center for Human Genetics Tuebingen
Classification: Uncertain significance. Last evaluated: 2026-04-01. Review status: criteria provided, single submitter. Criteria: CeGaT Center For Human Genetics Tuebingen Variant Classification Criteria Version 2. Collection method: clinical testing. Allele origin: germline. Affected: yes. Observed: 1 variant allele.
Comment: ZFYVE26: PM2, BP4

Ambry Genetics
Classification: Uncertain significance for Inborn genetic diseases. Last evaluated: 2024-07-09. Review status: criteria provided, single submitter. Criteria: Ambry Variant Classification Scheme 2023. Collection method: clinical testing. Allele origin: germline.

Blueprint Genetics
Classification: Uncertain significance. Last evaluated: 2024-07-02. Review status: criteria provided, single submitter. Criteria: ACMG Guidelines, 2015. Collection method: clinical testing. Allele origin: germline.

NM_015346.4(ZFYVE26):c.772C>T (p.Arg258Trp)

Gene: ZFYVE26 (zinc finger FYVE-type containing 26; minus strand). Cytogenetic location: 14q24.1.
Variant type: single nucleotide variant.
Coding change: c.772C>T on transcript NM_015346.4 (MANE Select); coding-DNA position 772, C replaced by T.
Protein change: p.Arg258Trp; replaces arginine 258 with tryptophan.
Molecular consequence: missense variant.
Genome position (GRCh38, 1-based): chr14:67,807,512, G>A on the plus strand (C>T on the coding strand, the complement: ZFYVE26 is on the minus strand). VCF-style: chr14-67807512-G-A. GRCh37 (hg19) VCF-style: chr14-68274229-G-A.
Other names: short protein forms R258W.
Identifiers: ClinVar variation 3473637 (VCV003473637.4).